The following is an entry in ClinVar:

ClinVar aggregate classification (germline): Uncertain significance (1 of 4 stars; one submission).

Conditions:
Developmental and epileptic encephalopathy, 36 (DEE36). Also called: Epileptic encephalopathy, early infantile, 36; ALG13-CDG; Congenital disorder of glycosylation, type Is. Identifiers: Orphanet 324422, MedGen C4317295, MONDO:0010472, OMIM 300884.

Allele frequency attached by ClinVar (database versions not stated): gnomAD exomes below 0.00001; gnomAD 0.00001; TOPMed 0.00002.
gnomAD v4.1: 3 of 1,209,765 alleles (0.00025%); highest among the groups gnomAD compares: Non-Finnish European, 0.00034%; no homozygotes.

Submission:

Labcorp Genetics (formerly Invitae), Labcorp
Classification: Uncertain significance for Developmental and epileptic encephalopathy, 36. Last evaluated: 2023-01-19. Review status: criteria provided, single submitter. Criteria: Invitae Variant Classification Sherloc (09022015). Collection method: clinical testing. Allele origin: germline.
Comment: In summary, the available evidence is currently insufficient to determine the role of this variant in disease. Therefore, it has been classified as a Variant of Uncertain Significance. Algorithms developed to predict the effect of missense changes on protein structure and function output the following: SIFT: "Tolerated"; PolyPhen-2: "Benign"; Align-GVGD: "Class C0". The alanine amino acid residue is found in multiple mammalian species, which suggests that this missense change does not adversely affect protein function. This variant has not been reported in the literature in individuals affected with ALG13-related conditions. This variant is not present in population databases (gnomAD no frequency). This sequence change replaces threonine, which is neutral and polar, with alanine, which is neutral and non-polar, at codon 155 of the ALG13 protein (p.Thr155Ala).

NM_001099922.3(ALG13):c.463A>G (p.Thr155Ala)

Gene: ALG13 (ALG13 UDP-N-acetylglucosaminyltransferase subunit; plus strand). Cytogenetic location: Xq23.
Variant type: single nucleotide variant.
Coding change: c.463A>G on transcript NM_001099922.3 (MANE Select); coding-DNA position 463, A replaced by G.
Protein change: p.Thr155Ala; replaces threonine 155 with alanine.
Molecular consequence: missense variant. On other transcripts: non-coding transcript variant (1).
Genome position (GRCh38, 1-based): chrX:111,708,106, A>G. VCF-style: chrX-111708106-A-G. GRCh37 (hg19) VCF-style: chrX-110951334-A-G.
Other names: c.151A>G, p.Thr51Ala (NM_001257230.2, NM_001257234.2, NM_001257237.2 and 1 more transcripts); c.229A>G, p.Thr77Ala (NM_001257231.2); c.463A>G, p.Thr155Ala (NM_001324292.2); short protein forms T155A, T77A, T51A.
Identifiers: ClinVar variation 2820506 (VCV002820506.3), dbSNP rs976676588, ClinGen allele CA334443157.
Genomic context (GRCh38, chrX:111,708,106, plus strand): 5'-CAAGCCAAGTCCATTGCTTCTGCTCCTGGGAAGTGCCAAGATTCTGCAGCGCTGACTTCA[A>G]CTGCCTTTTCAGGCCTAGACTTTGGGCTGCTTTCCGGATACCTGCATAAGCAAGCCCTTG-3'
Protein context (NP_001093392.1, residues 145-165): KCQDSAALTS[Thr155Ala]AFSGLDFGLL